The following is an entry in ClinVar:

NM_000632.4(ITGAM):c.395A>G (p.Gln132Arg)

Genes: ITGAM (integrin subunit alpha M; plus strand), LOC126862331 (P300/CBP strongly-dependent group 1 enhancer GRCh37_chr16:31276375-31277574; plus strand). Cytogenetic location: 16p11.2.
Variant type: single nucleotide variant.
Coding change: c.395A>G on transcript NM_000632.4 (MANE Select); coding-DNA position 395, A replaced by G.
Protein change: p.Gln132Arg; replaces glutamine 132 with arginine.
Molecular consequence: missense variant.
Genome position (GRCh38, 1-based): chr16:31,266,115, A>G. VCF-style: chr16-31266115-A-G. GRCh37 (hg19) VCF-style: chr16-31277436-A-G.
Other names: c.395A>G, p.Gln132Arg (NM_001145808.2); short protein forms Q132R.
Identifiers: ClinVar variation 2962138 (VCV002962138.3), dbSNP rs748331571, ClinGen allele CA8025215.
Genomic context (GRCh38, chr16:31,266,115, plus strand): 5'-CTTGCAGTGAGAACACGTATGTGAAAGGGCTCTGCTTCCTGTTTGGATCCAACCTACGGC[A>G]GCAGCCCCAGAAGTTCCCAGAGGCCCTCCGAGGTGGGTTGCCTTTGGCAGAGGGAACAGA-3'
Protein context (NP_000623.2, residues 122-142): LCFLFGSNLR[Gln132Arg]QPQKFPEALR

ClinVar aggregate classification (germline): Uncertain significance (1 of 4 stars; one submission).

Allele frequency attached by ClinVar (database versions not stated): ExAC 0.00001; gnomAD 0.00001; TOPMed 0.00001.
gnomAD v4.1: 4 of 1,613,778 alleles (0.00025%); highest among the groups gnomAD compares: Non-Finnish European, 0.00034%; no homozygotes.

Submission:

Labcorp Genetics (formerly Invitae), Labcorp
Classification: Uncertain significance. Last evaluated: 2025-05-04. Review status: criteria provided, single submitter. Criteria: Invitae Variant Classification Sherloc (09022015). Collection method: clinical testing. Allele origin: germline.
Comment: This sequence change replaces glutamine, which is neutral and polar, with arginine, which is basic and polar, at codon 132 of the ITGAM protein (p.Gln132Arg). This variant is present in population databases (rs748331571, gnomAD 0.002%). This variant has not been reported in the literature in individuals affected with ITGAM-related conditions. ClinVar contains an entry for this variant (Variation ID: 2962138). An algorithm developed to predict the effect of missense changes on protein structure and function outputs the following: PolyPhen-2: "Benign". The arginine amino acid residue is found in multiple mammalian species, which suggests that this missense change does not adversely affect protein function. In summary, the available evidence is currently insufficient to determine the role of this variant in disease. Therefore, it has been classified as a Variant of Uncertain Significance.